The following is an entry in ClinVar:

NM_005529.7(HSPG2):c.*1018A>C

Genes: LDLRAD2 (low density lipoprotein receptor class A domain containing 2; plus strand), HSPG2 (heparan sulfate proteoglycan 2; minus strand). Cytogenetic location: 1p36.12.
Variant type: single nucleotide variant.
Coding change: c.*1018A>C on transcript NM_005529.7 (MANE Select); 1018 bases downstream of the stop codon, A replaced by C.
Molecular consequence: 3 prime UTR variant.
Genome position (GRCh38, 1-based): chr1:21,822,298, T>G on the plus strand (A>C on the coding strand, the complement: HSPG2 is on the minus strand). VCF-style: chr1-21822298-T-G. GRCh37 (hg19) VCF-style: chr1-22148791-T-G.
Other names: c.*1018A>C (NM_001291860.2); c.*83T>G (NM_001013693.3).
Identifiers: ClinVar variation 876262 (VCV000876262.5), dbSNP rs529474269, ClinGen allele CA19144171.

ClinVar aggregate classification (germline): Likely benign. Review status: criteria provided, multiple submitters, no conflicts (2 of 4 stars). 3 submissions from 2 submitters: Likely benign (3). Last evaluated 2018-01-12.

Conditions:
Schwartz-Jampel syndrome. Also called: Myotonic myopathy dwarfism chondrodystrophy and ocular and facial abnormalities. Identifiers: Orphanet 800, MedGen C0036391, MONDO:0009717.
Lethal Kniest-like syndrome (DDSH). Also called: Dyssegmental Dysplasia. Identifiers: Orphanet 1865, MedGen C1857100, MONDO:0009140, OMIM 224410.

Allele frequency attached by ClinVar (database versions not stated): gnomAD 0.00014 and 0.00047; TOPMed 0.00022; gnomAD exomes 0.00082; 1000 Genomes Project 30x 0.00297; 1000 Genomes Project 0.00319.
gnomAD v4.1: 1,135 of 1,448,002 alleles (0.078%); highest among the groups gnomAD compares: South Asian, 1%; 12 homozygotes.

Submissions (3):

Illumina Laboratory Services, Illumina
Classification: Likely benign for Lethal Kniest-like syndrome. Last evaluated: 2018-01-12. Review status: criteria provided, single submitter. Criteria: ICSL Variant Classification Criteria 13 December 2019. Collection method: clinical testing. Allele origin: germline.
Comment: This variant was observed in the ICSL laboratory as part of a predisposition screen in an ostensibly healthy population. It had not been previously curated by ICSL or reported in the Human Gene Mutation Database (HGMD: prior to June 1st, 2018), and was therefore a candidate for classification through an automated scoring system. Utilizing variant allele frequency, disease prevalence and penetrance estimates, and inheritance mode, an automated score was calculated to assess if this variant is too frequent to cause the disease. Based on the score and internal cut-off values, a variant classified as likely benign is not then subjected to further curation. The score for this variant resulted in a classification of likely benign for this disease.

Illumina Laboratory Services, Illumina
Classification: Likely benign for Schwartz-Jampel syndrome type 1. Last evaluated: 2018-01-12. Review status: criteria provided, single submitter. Criteria: ICSL Variant Classification Criteria 13 December 2019. Collection method: clinical testing. Allele origin: germline.
Comment: the same text as in the submission from Illumina Laboratory Services, Illumina above.

Breakthrough Genomics
Classification: Likely benign. Review status: criteria provided, single submitter. Criteria: ACMG Guidelines, 2015. Collection method: not provided. Allele origin: germline. Inheritance: Autosomal recessive inheritance. Affected: yes.